The following is an entry in ClinVar:

NM_001277313.2(FMN1):c.1380C>G (p.Ala460=)

Gene: FMN1 (formin 1; minus strand). Cytogenetic location: 15q13.3.
Variant type: single nucleotide variant.
Coding change: c.1380C>G on transcript NM_001277313.2 (MANE Select); coding-DNA position 1380, C replaced by G.
Protein change: p.Ala460=; no amino-acid change (alanine 460 retained).
Molecular consequence: synonymous variant.
Genome position (GRCh38, 1-based): chr15:33,153,535, G>C on the plus strand (C>G on the coding strand, the complement: FMN1 is on the minus strand). VCF-style: chr15-33153535-G-C. GRCh37 (hg19) VCF-style: chr15-33445736-G-C.
Other names: c.1380C>G, p.Ala460= (NM_001277314.2).
Identifiers: ClinVar variation 2963680 (VCV002963680.3), dbSNP rs552758815, ClinGen allele CA7457529.

ClinVar aggregate classification (germline): Uncertain significance (1 of 4 stars; one submission).

Allele frequency attached by ClinVar (database versions not stated): gnomAD 0.00001; 1000 Genomes Project 30x 0.00016; 1000 Genomes Project 0.00020; ExAC 0.00028.
gnomAD v4.1: 16 of 1,536,306 alleles (0.001%); highest among the groups gnomAD compares: South Asian, 0.019%; no homozygotes.

Submission:

Labcorp Genetics (formerly Invitae), Labcorp
Classification: Uncertain significance. Last evaluated: 2023-11-14. Review status: criteria provided, single submitter. Criteria: Invitae Variant Classification Sherloc (09022015). Collection method: clinical testing. Allele origin: germline.
Comment: The FMN1 gene has multiple clinically relevant transcripts. This variant occurs in alternate transcript NM_001277314.1, and corresponds to NM_001103184.3:c.-85651C>G in the primary transcript. This sequence change affects codon 460 of the FMN1 mRNA. It is a 'silent' change, meaning that it does not change the encoded amino acid sequence of the FMN1 protein. This variant is present in population databases (rs552758815, gnomAD 0.04%). This variant has not been reported in the literature in individuals affected with FMN1-related conditions. Experimental studies and prediction algorithms are not available or were not evaluated, and the effect of this variant on mRNA splicing is currently unknown. In summary, the available evidence is currently insufficient to determine the role of this variant in disease. Therefore, it has been classified as a Variant of Uncertain Significance.